The following is an entry in ClinVar:

ClinVar aggregate classification (germline): Uncertain significance (1 of 4 stars; one submission).

Submission:

Labcorp Genetics (formerly Invitae), Labcorp
Classification: Uncertain significance. Last evaluated: 2025-09-21. Review status: criteria provided, single submitter. Criteria: Invitae Variant Classification Sherloc (09022015). Collection method: clinical testing. Allele origin: germline.
Comment: This variant, c.8848_8850del, results in the deletion of 1 amino acid(s) of the DCHS1 protein (p.Val2950del), but otherwise preserves the integrity of the reading frame. This variant is present in population databases (no rsID available, gnomAD 0.006%). This variant has not been reported in the literature in individuals affected with DCHS1-related conditions. Experimental studies and prediction algorithms are not available or were not evaluated, and the functional significance of this variant is currently unknown. In summary, the available evidence is currently insufficient to determine the role of this variant in disease. Therefore, it has been classified as a Variant of Uncertain Significance.

NM_003737.4(DCHS1):c.8842GTG[2] (p.Val2950del)

Gene: DCHS1 (dachsous cadherin-related 1; minus strand). Cytogenetic location: 11p15.4.
Variant type: Microsatellite.
Coding change: c.8842GTG[2] on transcript NM_003737.4 (MANE Select); two copies in a row of the 3-base unit GTG starting at c.8842; the reference has three copies in a row; one copy, 3 bases deleted.
Protein change: p.Val2950del; deletes valine 2950.
Molecular consequence: inframe deletion.
Genome position (GRCh38, 1-based): chr11:6,622,826-6,622,828, CAC deleted on the plus strand (GTG on the coding strand, the reverse complement: DCHS1 is on the minus strand); deleting any 3 consecutive bases within chr11:6,622,826-6,622,834 gives the same sequence; the position shown is the placement nearest the transcript's 3' end. VCF-style (leftmost placement, unchanged base first): chr11-6622825-GCAC-G. GRCh37 (hg19) VCF-style: chr11-6644056-GCAC-G.
Other names: short protein forms V2950del.
Identifiers: ClinVar variation 4694419 (VCV004694419.1).